The following is an entry in ClinVar:

ClinVar aggregate classification (germline): Pathogenic/Likely pathogenic. Review status: criteria provided, multiple submitters, no conflicts (2 of 4 stars). 3 submissions from 3 submitters: Pathogenic (1); Likely pathogenic (2). Last evaluated 2025-07-22.

Conditions:
3-methylcrotonyl-CoA carboxylase 1 deficiency (MCC1D). Also called: MCC 1 deficiency; 3 Alpha methylcrotonylglycinuria 1; MCCD TYPE 1; METHYLCROTONYLGLYCINURIA TYPE I. Identifiers: Orphanet 6, MedGen CN028786, MONDO:0008861, OMIM 210200.

Submissions (3):

Natera, Inc.
Classification: Likely pathogenic for 3-methylcrotonyl-CoA carboxylase 1 deficiency. Last evaluated: 2025-07-22. Review status: criteria provided, single submitter. Criteria: Natera Variant Classification Schema (03/2026). Collection method: clinical testing. Allele origin: germline.
Comment: The c.435del variant in MCCC1 is a frameshift variant predicted to shift the reading frame beginning at codon 146 and leads to a stop codon 5 codons downstream. This variant is expected to result in nonsense mediated decay, truncation, or a dysfunctional protein product. This variant is rare in the general population with a frequency below the threshold expected for the associated phenotype(s). Given the available evidence, this variant is classified as Likely Pathogenic.

Baylor Genetics
Classification: Likely pathogenic for 3-methylcrotonyl-CoA carboxylase 1 deficiency. Last evaluated: 2024-01-11. Review status: criteria provided, single submitter. Criteria: ACMG Guidelines, 2015. Collection method: clinical testing. Allele origin: unknown.

Labcorp Genetics (formerly Invitae), Labcorp
Classification: Pathogenic for 3-methylcrotonyl-CoA carboxylase 1 deficiency. Last evaluated: 2022-10-05. Review status: criteria provided, single submitter. Criteria: Invitae Variant Classification Sherloc (09022015). Collection method: clinical testing. Allele origin: germline.
Comment: For these reasons, this variant has been classified as Pathogenic. ClinVar contains an entry for this variant (Variation ID: 1394199). This variant has not been reported in the literature in individuals affected with MCCC1-related conditions. This variant is present in population databases (no rsID available, gnomAD 0.0009%). This sequence change creates a premature translational stop signal (p.Gly146Glufs*5) in the MCCC1 gene. It is expected to result in an absent or disrupted protein product. Loss-of-function variants in MCCC1 are known to be pathogenic (PMID: 11181649, 15359379, 22642865).

Literature cited by the submitters: PubMed 11181649 (cited by Labcorp Genetics (formerly Invitae), Labcorp); PubMed 15359379 (cited by Labcorp Genetics (formerly Invitae), Labcorp); PubMed 22642865 (cited by Labcorp Genetics (formerly Invitae), Labcorp).

NM_020166.5(MCCC1):c.435del (p.Gly146fs)

Gene: MCCC1 (methylcrotonyl-CoA carboxylase subunit 1; minus strand). Cytogenetic location: 3q27.1.
Variant type: Deletion.
Coding change: c.435del on transcript NM_020166.5 (MANE Select); coding-DNA position 435, one base deleted (A; older notation c.435delA).
Protein change: p.Gly146fs; shifts the reading frame from glycine 146.
Molecular consequence: frameshift variant. On other transcripts: non-coding transcript variant (2), intron variant (1).
Genome position (GRCh38, 1-based): chr3:183,072,422, T deleted on the plus strand (A on the coding strand, the reverse complement: MCCC1 is on the minus strand); the first of 2 consecutive T bases (chr3:183,072,422-183,072,423); deleting either gives the same sequence. VCF-style (leftmost placement, unchanged base first): chr3-183072421-CT-C. GRCh37 (hg19) VCF-style: chr3-182790209-CT-C.
Other names: c.108del, p.Gly37fs (NM_001363880.1); c.141-1065del (NM_001293273.2); c.435del (NM_020166.4); short protein forms G37fs, G146fs.
Identifiers: ClinVar variation 1394199 (VCV001394199.8), dbSNP rs1486240538, ClinGen allele CA548371017.